The following is an entry in ClinVar:

NM_000528.4(MAN2B1):c.1238del (p.Asn413fs)

Gene: MAN2B1 (mannosidase alpha class 2B member 1; minus strand). Cytogenetic location: 19p13.13.
Variant type: Deletion.
Coding change: c.1238del on transcript NM_000528.4 (MANE Select); coding-DNA position 1238, one base deleted (A; older notation c.1238delA).
Protein change: p.Asn413fs; shifts the reading frame from asparagine 413.
Molecular consequence: frameshift variant.
Genome position (GRCh38, 1-based): chr19:12,658,134, T deleted on the plus strand (A on the coding strand, the reverse complement: MAN2B1 is on the minus strand); the first of 2 consecutive T bases (chr19:12,658,134-12,658,135); deleting either gives the same sequence. VCF-style (leftmost placement, unchanged base first): chr19-12658133-GT-G. GRCh37 (hg19) VCF-style: chr19-12768947-GT-G.
Other names: c.1235del, p.Asn412fs (NM_001173498.2); c.1241del, p.Asn414fs (NM_001440570.1); short protein forms N412fs, N413fs, N414fs.
Identifiers: ClinVar variation 4720718 (VCV004720718.1).

ClinVar aggregate classification (germline): Pathogenic (1 of 4 stars; one submission).

Conditions:
Deficiency of alpha-mannosidase (MANSA). Also called: Alpha-Mannosidosis; LYSOSOMAL ALPHA-D-MANNOSIDASE DEFICIENCY; Mannosidosis, alpha-, types I and II. Identifiers: Orphanet 61, MedGen C0024748, MONDO:0009561, OMIM 248500.

Submission:

Labcorp Genetics (formerly Invitae), Labcorp
Classification: Pathogenic for Deficiency of alpha-mannosidase. Last evaluated: 2025-08-18. Review status: criteria provided, single submitter. Criteria: Invitae Variant Classification Sherloc (09022015). Collection method: clinical testing. Allele origin: germline.
Comment: This sequence change creates a premature translational stop signal (p.Asn413Thrfs*64) in the MAN2B1 gene. It is expected to result in an absent or disrupted protein product. Loss-of-function variants in MAN2B1 are known to be pathogenic (PMID: 9915946, 22161967). This variant is not present in population databases (gnomAD no frequency). This variant has not been reported in the literature in individuals affected with MAN2B1-related conditions. For these reasons, this variant has been classified as Pathogenic.

Literature cited by the submitters: PubMed 9915946; PubMed 22161967.